The following is an entry in ClinVar:

ClinVar aggregate classification (germline): Uncertain significance (1 of 4 stars; one submission).

Conditions:
Nemaline myopathy 6 (NEM6). Also called: Nemaline myopathy 6, autosomal dominant. Identifiers: Orphanet 171439, MedGen C1836472, MONDO:0012237, OMIM 609273.

gnomAD v4.1: 16 of 1,564,570 alleles (0.001%); highest among the groups gnomAD compares: Non-Finnish European, 0.0014%; no homozygotes.

Submission:

Labcorp Genetics (formerly Invitae), Labcorp
Classification: Uncertain significance for Nemaline myopathy 6. Last evaluated: 2025-10-02. Review status: criteria provided, single submitter. Criteria: Invitae Variant Classification Sherloc (09022015). Collection method: clinical testing. Allele origin: germline.
Comment: This sequence change replaces serine, which is neutral and polar, with phenylalanine, which is neutral and non-polar, at codon 435 of the KBTBD13 protein (p.Ser435Phe). This variant is present in population databases (rs756393871, gnomAD 0.004%). This variant has not been reported in the literature in individuals affected with KBTBD13-related conditions. ClinVar contains an entry for this variant (Variation ID: 3730505). An algorithm developed to predict the effect of missense changes on protein structure and function (PolyPhen-2) suggests that this variant is likely to be disruptive. In summary, the available evidence is currently insufficient to determine the role of this variant in disease. Therefore, it has been classified as a Variant of Uncertain Significance.

NM_001101362.3(KBTBD13):c.1304C>T (p.Ser435Phe)

Gene: KBTBD13 (kelch repeat and BTB domain containing 13; plus strand). Cytogenetic location: 15q22.31.
Variant type: single nucleotide variant.
Coding change: c.1304C>T on transcript NM_001101362.3 (MANE Select); coding-DNA position 1304, C replaced by T.
Protein change: p.Ser435Phe; replaces serine 435 with phenylalanine.
Molecular consequence: missense variant.
Genome position (GRCh38, 1-based): chr15:65,078,119, C>T. VCF-style: chr15-65078119-C-T. GRCh37 (hg19) VCF-style: chr15-65370457-C-T.
Other names: short protein forms S435F.
Identifiers: ClinVar variation 3730505 (VCV003730505.2).
Genomic context (GRCh38, chr15:65,078,119, plus strand): 5'-CCATCGAGGGCGGCACCTGGCGGCTGCTCAGGGAGAAAGCCGGCTTCCCGCGGCCCGGCT[C>T]CTTGCAGACCTTTCTCCTAAGGCTGCCTCCTGGCGCTCCTGGGCCTGTGACTTCGACAAC-3'
Protein context (NP_001094832.1, residues 425-445): REKAGFPRPG[Ser435Phe]LQTFLLRLPP